The following is an entry in ClinVar:

ClinVar aggregate classification (germline): Uncertain significance (1 of 4 stars; one submission).

gnomAD v4.1: 2 of 1,581,836 alleles (0.00013%); highest among the groups gnomAD compares: East Asian, 0.0023%; no homozygotes.

Submission:

Labcorp Genetics (formerly Invitae), Labcorp
Classification: Uncertain significance. Last evaluated: 2019-11-15. Review status: criteria provided, single submitter. Criteria: Invitae Variant Classification Sherloc (09022015). Collection method: clinical testing. Allele origin: germline.
Comment: In summary, the available evidence is currently insufficient to determine the role of this variant in disease. Therefore, it has been classified as a Variant of Uncertain Significance. Algorithms developed to predict the effect of sequence changes on RNA splicing suggest that this variant may create or strengthen a splice site, but this prediction has not been confirmed by published transcriptional studies. Algorithms developed to predict the effect of missense changes on protein structure and function output the following: SIFT: "Tolerated"; PolyPhen-2: "Benign"; Align-GVGD: "Class C0". The alanine amino acid residue is found in multiple mammalian species, suggesting that this missense change does not adversely affect protein function. These predictions have not been confirmed by published functional studies and their clinical significance is uncertain. This variant has not been reported in the literature in individuals with ADGRA3-related conditions. This variant is not present in population databases (ExAC no frequency). This sequence change replaces serine with alanine at codon 169 of the ADGRA3 protein (p.Ser169Ala). The serine residue is weakly conserved and there is a moderate physicochemical difference between serine and alanine.

NM_145290.4(ADGRA3):c.505T>G (p.Ser169Ala)

Gene: ADGRA3 (adhesion G protein-coupled receptor A3; minus strand). Cytogenetic location: 4p15.2.
Variant type: single nucleotide variant.
Coding change: c.505T>G on transcript NM_145290.4 (MANE Select); coding-DNA position 505, T replaced by G.
Protein change: p.Ser169Ala; replaces serine 169 with alanine.
Molecular consequence: missense variant.
Genome position (GRCh38, 1-based): chr4:22,447,480, A>C on the plus strand (T>G on the coding strand, the complement: ADGRA3 is on the minus strand). VCF-style: chr4-22447480-A-C. GRCh37 (hg19) VCF-style: chr4-22449103-A-C.
Other names: short protein forms S169A.
Identifiers: ClinVar variation 968872 (VCV000968872.9), dbSNP rs1716874572, ClinGen allele CA356478926.